The following is an entry in ClinVar:

NM_003321.5(TUFM):c.674G>A (p.Cys225Tyr)

Gene: TUFM (Tu translation elongation factor, mitochondrial; minus strand). Cytogenetic location: 16p11.2.
Variant type: single nucleotide variant.
Coding change: c.674G>A on transcript NM_003321.5 (MANE Select); coding-DNA position 674, G replaced by A.
Protein change: p.Cys225Tyr; replaces cysteine 225 with tyrosine.
Molecular consequence: missense variant.
Genome position (GRCh38, 1-based): chr16:28,844,708, C>T on the plus strand (G>A on the coding strand, the complement: TUFM is on the minus strand). VCF-style: chr16-28844708-C-T. GRCh37 (hg19) VCF-style: chr16-28856029-C-T.
Other names: c.674G>A, p.Cys225Tyr (NM_001365360.2); short protein forms C225Y.
Identifiers: ClinVar variation 2461524 (VCV002461524.3), dbSNP rs757858020, ClinGen allele CA7985579.

ClinVar aggregate classification (germline): Uncertain significance. Review status: criteria provided, multiple submitters, no conflicts (2 of 4 stars). 2 submissions from 2 submitters: Uncertain significance (2). Last evaluated 2024-02-09.

Conditions:
Inborn genetic diseases. Identifiers: MedGen C0950123, MeSH D030342.

Allele frequency attached by ClinVar (database versions not stated): TOPMed below 0.00001; ExAC 0.00001; gnomAD exomes 0.00002.
gnomAD v4.1: 27 of 1,614,206 alleles (0.0017%); highest among the groups gnomAD compares: Non-Finnish European, 0.0022%; no homozygotes.

Submissions (2):

GeneDx
Classification: Uncertain significance. Last evaluated: 2024-02-09. Review status: criteria provided, single submitter. Criteria: GeneDx Variant Classification Process June 2021. Collection method: clinical testing. Allele origin: germline. Affected: yes.
Comment: Not observed at significant frequency in large population cohorts (gnomAD); In silico analysis supports that this missense variant has a deleterious effect on protein structure/function; Has not been previously published as pathogenic or benign to our knowledge

Ambry Genetics
Classification: Uncertain significance for Inborn genetic diseases. Last evaluated: 2023-02-06. Review status: criteria provided, single submitter. Criteria: Ambry Variant Classification Scheme 2023. Collection method: clinical testing. Allele origin: germline.